The following is an entry in ClinVar:

NM_020165.4(RAD18):c.572C>T (p.Pro191Leu)

Gene: RAD18 (RAD18 E3 ubiquitin protein ligase; minus strand). Cytogenetic location: 3p25.3.
Variant type: single nucleotide variant.
Coding change: c.572C>T on transcript NM_020165.4 (MANE Select); coding-DNA position 572, C replaced by T.
Protein change: p.Pro191Leu; replaces proline 191 with leucine.
Molecular consequence: missense variant.
Genome position (GRCh38, 1-based): chr3:8,941,499, G>A on the plus strand (C>T on the coding strand, the complement: RAD18 is on the minus strand). VCF-style: chr3-8941499-G-A. GRCh37 (hg19) VCF-style: chr3-8983183-G-A.
Other names: short protein forms P191L.
Identifiers: ClinVar variation 2354255 (VCV002354255.27), dbSNP rs779466926, ClinGen allele CA2237002.
Genomic context (GRCh38, chr3:8,941,499, plus strand): 5'-ATTTCCACATATGAAAATAACTTCCTACCTTTAGTAACTTGTTTCAAAGTGGATGTCGAG[G>A]GTGGCTCAGGACGCTTAGCCTCTGAGGGATCTGGAGCGATCTCTTCTACAGAACGTGTCT-3'
Protein context (NP_064550.3, residues 181-201): DPSEAKRPEP[Pro191Leu]STSTLKQVTK

ClinVar aggregate classification (germline): Conflicting classifications of pathogenicity. Review status: criteria provided, conflicting classifications (1 of 4 stars). 2 submissions from 2 submitters: Uncertain significance (1); Likely benign (1). Last evaluated 2024-09-08.

Allele frequency attached by ClinVar (database versions not stated): gnomAD 0.00007; TOPMed 0.00015; ExAC 0.00018.
gnomAD v4.1: 202 of 1,612,176 alleles (0.013%); highest among the groups gnomAD compares: Middle Eastern, 0.33%; no homozygotes.

Submissions (2):

Ambry Genetics
Classification: Uncertain significance. Last evaluated: 2024-09-08. Review status: criteria provided, single submitter. Criteria: Ambry Variant Classification Scheme 2023. Collection method: clinical testing. Allele origin: germline.

CeGaT Center for Human Genetics Tuebingen
Classification: Likely benign. Last evaluated: 2023-02-01. Review status: criteria provided, single submitter. Criteria: CeGaT Center For Human Genetics Tuebingen Variant Classification Criteria Version 2. Collection method: clinical testing. Allele origin: germline. Affected: yes. Observed: 1 variant allele.
Comment: RAD18: BP4